The following is an entry in ClinVar:

ClinVar aggregate classification (germline): Uncertain significance. Review status: criteria provided, multiple submitters, no conflicts (2 of 4 stars). 2 submissions from 2 submitters: Uncertain significance (2). Last evaluated 2025-03-25.

Conditions:
Hereditary cancer-predisposing syndrome. Also called: Tumor predisposition; Hereditary Cancer Syndrome; Neoplastic Syndromes, Hereditary; Hereditary neoplastic syndrome. Identifiers: Orphanet 140162, MedGen C0027672, MeSH D009386, MONDO:0015356.

Submissions (2):

Ambry Genetics
Classification: Uncertain significance for Hereditary cancer-predisposing syndrome. Last evaluated: 2025-03-25. Review status: criteria provided, single submitter. Criteria: Ambry Variant Classification Scheme 2023. Collection method: clinical testing. Allele origin: germline.
Comment: The p.E98D variant (also known as c.294A>C), located in coding exon 2 of the BLM gene, results from an A to C substitution at nucleotide position 294. The glutamic acid at codon 98 is replaced by aspartic acid, an amino acid with highly similar properties. This amino acid position is conserved. In addition, this alteration is predicted to be tolerated by in silico analysis. Based on the available evidence, the clinical significance of this variant remains unclear.

Genetic Services Laboratory, University of Chicago
Classification: Uncertain significance. Last evaluated: 2018-03-06. Review status: criteria provided, single submitter. Criteria: ACMG Guidelines, 2015. Collection method: clinical testing. Allele origin: germline. Affected: no.

NM_000057.4(BLM):c.294A>C (p.Glu98Asp)

Gene: BLM (BLM RecQ like helicase; plus strand). Cytogenetic location: 15q26.1.
Variant type: single nucleotide variant.
Coding change: c.294A>C on transcript NM_000057.4 (MANE Select); coding-DNA position 294, A replaced by C.
Protein change: p.Glu98Asp; replaces glutamic acid 98 with aspartic acid.
Molecular consequence: missense variant. On other transcripts: 5 prime UTR variant (1).
Genome position (GRCh38, 1-based): chr15:90,749,562, A>C. VCF-style: chr15-90749562-A-C. GRCh37 (hg19) VCF-style: chr15-91292792-A-C.
Other names: c.294A>C, p.Glu98Asp (NM_001287246.2, NM_001287247.2); c.-998A>C (NM_001287248.2); c.294A>C (NM_000057.2); short protein forms E98D.
Identifiers: ClinVar variation 1336421 (VCV001336421.5), dbSNP rs2151147036, ClinGen allele CA393840169.